The following is an entry in ClinVar:

ClinVar aggregate classification (germline): Likely benign. Review status: criteria provided, multiple submitters, no conflicts (2 of 4 stars). 2 submissions from 2 submitters: Likely benign (2). Last evaluated 2023-10-01.

Allele frequency attached by ClinVar (database versions not stated): 1000 Genomes Project 0.00080; 1000 Genomes Project 30x 0.00094; TOPMed 0.00339; gnomAD 0.00353 and 0.00376; gnomAD exomes 0.00362; ExAC 0.00374; ESP Exome Variant Server 0.00505.
gnomAD v4.1: 8,086 of 1,613,970 alleles (0.5%); highest among the groups gnomAD compares: Non-Finnish European, 0.61%; 25 homozygotes.

Submissions (2):

CeGaT Center for Human Genetics Tuebingen
Classification: Likely benign. Last evaluated: 2023-10-01. Review status: criteria provided, single submitter. Criteria: CeGaT Center For Human Genetics Tuebingen Variant Classification Criteria Version 2. Collection method: clinical testing. Allele origin: germline. Affected: yes. Observed: 1 variant allele.
Comment: PRUNE2: BP4, BS2

Labcorp Genetics (formerly Invitae), Labcorp
Classification: Likely benign. Last evaluated: 2018-03-30. Review status: criteria provided, single submitter. Criteria: Invitae Variant Classification Sherloc (09022015). Collection method: clinical testing. Allele origin: germline.

NM_015225.3(PRUNE2):c.5837G>A (p.Gly1946Asp)

Gene: PRUNE2 (prune homolog 2 with BCH domain; minus strand). Cytogenetic location: 9q21.2.
Variant type: single nucleotide variant.
Coding change: c.5837G>A on transcript NM_015225.3 (MANE Select); coding-DNA position 5837, G replaced by A.
Protein change: p.Gly1946Asp; replaces glycine 1946 with aspartic acid.
Molecular consequence: missense variant. On other transcripts: non-coding transcript variant (1).
Genome position (GRCh38, 1-based): chr9:76,706,437, C>T on the plus strand (G>A on the coding strand, the complement: PRUNE2 is on the minus strand). VCF-style: chr9-76706437-C-T. GRCh37 (hg19) VCF-style: chr9-79321353-C-T.
Other names: c.5837G>A, p.Gly1946Asp (NM_001308047.2, NM_001308048.2); short protein forms G1946D.
Identifiers: ClinVar variation 774887 (VCV000774887.27), dbSNP rs200041998, ClinGen allele CA5089600.